The following is an entry in ClinVar:

NM_002972.4(SBF1):c.5265C>T (p.Asp1755=)

Gene: SBF1 (SET binding factor 1; minus strand). Cytogenetic location: 22q13.33.
Variant type: single nucleotide variant.
Coding change: c.5265C>T on transcript NM_002972.4 (MANE Select); coding-DNA position 5265, C replaced by T.
Protein change: p.Asp1755=; no amino-acid change (aspartic acid 1755 retained).
Molecular consequence: synonymous variant.
Genome position (GRCh38, 1-based): chr22:50,448,331, G>A on the plus strand (C>T on the coding strand, the complement: SBF1 is on the minus strand). VCF-style: chr22-50448331-G-A. GRCh37 (hg19) VCF-style: chr22-50886760-G-A.
Other names: c.5190C>T, p.Asp1730= (NM_001365819.1).
Identifiers: ClinVar variation 731664 (VCV000731664.11), dbSNP rs369993041, ClinGen allele CA10315917.

ClinVar aggregate classification (germline): Likely benign. Review status: criteria provided, single submitter (1 of 4 stars). 2 submissions from 2 submitters: Likely benign (1). 1 of the submissions does not count toward it. Last evaluated 2025-08-11.

Conditions:
SBF1-related disorder. Also called: SBF1-related condition.

Allele frequency attached by ClinVar (database versions not stated): gnomAD exomes 0.00006 and 0.00013; ExAC 0.00018; ESP Exome Variant Server 0.00048; gnomAD 0.00050 and 0.00053; TOPMed 0.00054; 1000 Genomes Project 0.00060; 1000 Genomes Project 30x 0.00062.
gnomAD v4.1: 163 of 1,613,836 alleles (0.01%); highest among the groups gnomAD compares: African/African-American, 0.2%; no homozygotes.

Submissions (2):

Labcorp Genetics (formerly Invitae), Labcorp
Classification: Likely benign. Last evaluated: 2025-08-11. Review status: criteria provided, single submitter. Criteria: Invitae Variant Classification Sherloc (09022015). Collection method: clinical testing. Allele origin: germline.

PreventionGenetics, part of Exact Sciences
Classification: Likely benign for SBF1-related condition. Last evaluated: 2019-11-25. Review status: no assertion criteria provided. Collection method: clinical testing. Allele origin: germline. Not counted in ClinVar's aggregate classification.
Comment: This variant is classified as likely benign based on ACMG/AMP sequence variant interpretation guidelines (Richards et al. 2015 PMID: 25741868, with internal and published modifications).